The following is an entry in ClinVar:

ClinVar aggregate classification (germline): Likely benign. Review status: criteria provided, multiple submitters, no conflicts (2 of 4 stars). 2 submissions from 2 submitters: Likely benign (2). Last evaluated 2024-01-03.

Conditions:
Familial thoracic aortic aneurysm and aortic dissection (TAAD). Also called: Thoracic aortic aneurysms and dissections. Identifiers: Orphanet 91387, MedGen C4707243, MONDO:0019625.
Ehlers-Danlos syndrome, type 4 (EDSVASC). Also called: Ehlers-Danlos Syndrome Type IV; Ehlers-Danlos syndrome vascular type; Ehlers Danlos syndrome, ecchymotic type; Ehlers Danlos syndrome, arterial type; Ehlers Danlos syndrome, Sack-Barabas type. Identifiers: Orphanet 286, MedGen C0268338, MONDO:0017314, OMIM 130050.

Allele frequency attached by ClinVar (database versions not stated): TOPMed below 0.00001.

Submissions (2):

All of Us Research Program, National Institutes of Health
Classification: Likely benign for Ehlers-Danlos syndrome, type 4. Last evaluated: 2024-01-03. Review status: criteria provided, single submitter. Criteria: ACMG Guidelines, 2015. Collection method: clinical testing. Allele origin: germline. Inheritance: Autosomal dominant inheritance. Observed: 1 variant allele, 1 heterozygote.
Comment: This study involves interpretation of variants in research participants for the purpose of population health screening. Participant phenotype was not available at the time of variant classification. Additional details can be found in publication PMID: 35346344, PMCID: PMC8962531

Color Diagnostics, LLC DBA Color Health
Classification: Likely benign for Familial thoracic aortic aneurysm and aortic dissection. Last evaluated: 2023-09-11. Review status: criteria provided, single submitter. Criteria: ACMG Guidelines, 2015. Collection method: clinical testing. Allele origin: germline.

NM_000090.4(COL3A1):c.2824-3T>C

Gene: COL3A1 (collagen type III alpha 1 chain; plus strand). Cytogenetic location: 2q32.2.
Variant type: single nucleotide variant.
Coding change: c.2824-3T>C on transcript NM_000090.4 (MANE Select); 3 bases into the intron before coding-DNA position 2824, T replaced by C.
Molecular consequence: intron variant.
Genome position (GRCh38, 1-based): chr2:189,004,254, T>C. VCF-style: chr2-189004254-T-C. GRCh37 (hg19) VCF-style: chr2-189868980-T-C.
Identifiers: ClinVar variation 3075289 (VCV003075289.2), dbSNP rs1688536964, ClinGen allele CA1315403147.